The following is an entry in ClinVar:

NM_001614.5(ACTG1):c.689C>T (p.Ala230Val)

Gene: ACTG1 (actin gamma 1; minus strand). Cytogenetic location: 17q25.3.
Variant type: single nucleotide variant.
Coding change: c.689C>T on transcript NM_001614.5 (MANE Select); coding-DNA position 689, C replaced by T.
Protein change: p.Ala230Val; replaces alanine 230 with valine.
Molecular consequence: missense variant. On other transcripts: non-coding transcript variant (1).
Genome position (GRCh38, 1-based): chr17:81,511,301, G>A on the plus strand (C>T on the coding strand, the complement: ACTG1 is on the minus strand). VCF-style: chr17-81511301-G-A. GRCh37 (hg19) VCF-style: chr17-79478327-G-A.
Other names: c.689C>T, p.Ala230Val (NM_001199954.3); short protein forms A230V.
Identifiers: ClinVar variation 561768 (VCV000561768.2), dbSNP rs782124831, ClinGen allele CA401460092.

ClinVar aggregate classification (germline): Likely pathogenic (1 of 4 stars; one submission).

Submission:

GeneDx
Classification: Likely pathogenic. Last evaluated: 2024-05-28. Review status: criteria provided, single submitter. Criteria: GeneDx Variant Classification Process June 2021. Collection method: clinical testing. Allele origin: germline. Affected: yes.
Comment: Not observed at significant frequency in large population cohorts (gnomAD); Missense variants in this gene are a common cause of disease and they are underrepresented in the general population; In silico analysis supports that this missense variant has a deleterious effect on protein structure/function; Has not been previously published as pathogenic or benign to our knowledge